The following is an entry in ClinVar:

ClinVar aggregate classification (germline): Uncertain significance (1 of 4 stars; one submission).

Conditions:
NEBL-related disorder. Also called: NEBL-related condition.

gnomAD v4.1: 1 of 1,595,542 alleles (0.000063%); highest among the groups gnomAD compares: Admixed American, 0.0017%; no homozygotes.

Submission:

PreventionGenetics, part of Exact Sciences
Classification: Uncertain significance for NEBL-related condition. Last evaluated: 2025-09-10. Review status: criteria provided, single submitter. Criteria: ACMG Guidelines, 2015. Collection method: clinical testing. Allele origin: germline.
Comment: The NEBL c.2241+4A>G variant is predicted to interfere with splicing. This variant is predicted to alter splicing based on available splicing prediction programs (SpliceAI, Jaganathan et al. 2019. PubMed ID: 30661751). However, the use of computer prediction programs is not equivalent to functional evidence. To our knowledge, this variant has not been reported in the literature or in a large population database (gnomAD), indicating this variant is rare. At this time, the clinical significance of this variant is uncertain due to the absence of conclusive functional and genetic evidence.

NM_006393.3(NEBL):c.2241+4A>G

Gene: NEBL (nebulette; minus strand). Cytogenetic location: 10p12.31.
Variant type: single nucleotide variant.
Coding change: c.2241+4A>G on transcript NM_006393.3 (MANE Select); 4 bases into the intron after coding-DNA position 2241, A replaced by G.
Molecular consequence: intron variant.
Genome position (GRCh38, 1-based): chr10:20,815,621, T>C on the plus strand (A>G on the coding strand, the complement: NEBL is on the minus strand). VCF-style: chr10-20815621-T-C. GRCh37 (hg19) VCF-style: chr10-21104550-T-C.
Other names: c.250-2681A>G (NM_001377326.1, NM_001377327.1, NM_001377328.1); c.358-2681A>G (NM_213569.2, NM_001173484.2, NM_001377322.1); c.301-2681A>G (NM_001377324.1); c.292-2681A>G (NM_001377325.1); c.310-2681A>G (NM_001377323.1).
Identifiers: ClinVar variation 4982892 (VCV004982892.1).